The following is an entry in ClinVar:

NM_001267550.2(TTN):c.16370G>T (p.Gly5457Val)

Gene: TTN (titin; minus strand). Cytogenetic location: 2q31.2.
Variant type: single nucleotide variant.
Coding change: c.16370G>T on transcript NM_001267550.2 (MANE Select); coding-DNA position 16370, G replaced by T.
Protein change: p.Gly5457Val; replaces glycine 5457 with valine.
Molecular consequence: missense variant. On other transcripts: intron variant (3).
Genome position (GRCh38, 1-based): chr2:178,732,691, C>A on the plus strand (G>T on the coding strand, the complement: TTN is on the minus strand). VCF-style: chr2-178732691-C-A. GRCh37 (hg19) VCF-style: chr2-179597418-C-A.
Other names: c.15419G>T, p.Gly5140Val (NM_001256850.1); c.12638G>T, p.Gly4213Val (NM_133378.4); c.13282+5391G>T (NM_003319.4); c.13858+5391G>T (NM_133437.4); c.13657+5391G>T (NM_133432.3); c.16370G>T (NM_001267550.1); short protein forms G4213V, G5140V, G5457V.
Identifiers: ClinVar variation 284297 (VCV000284297.7), dbSNP rs879144126, ClinGen allele CA10604754.
Genomic context (GRCh38, chr2:178,732,691, plus strand): 5'-GTAGATCCTTGGAAAGTGCTCTTCAGGCAGACTGCTGAGCCAGGCAGAACATCCTTTGAG[C>A]CGGGTTTAGTTACAAAACTGGGTGGTTCTGAAGAAGGGGTATAAGAAAGAATTTCAAAGA-3'
Protein context (NP_001254479.2, residues 5447-5467): QEPPSFVTKP[Gly5457Val]SKDVLPGSAV

ClinVar aggregate classification (germline): Uncertain significance. Review status: criteria provided, multiple submitters, no conflicts (2 of 4 stars). 3 submissions from 3 submitters: Uncertain significance (3). Last evaluated 2024-06-12.

Conditions:
Dilated cardiomyopathy 1G (CMD1G). Identifiers: Orphanet 154, MedGen C1858763, MONDO:0011400, OMIM 604145.
Tibial muscular dystrophy (TMD). Also called: UDD MYOPATHY; Udd Distal Myopathy – Tibial Muscular Dystrophy; Tibial muscular dystrophy, tardive. Identifiers: Orphanet 609, MedGen C1838244, MONDO:0010870, OMIM 600334.
Early-onset myopathy with fatal cardiomyopathy (CMYO5). Also called: Salih Myopathy; CONGENITAL MYOPATHY 5 WITH CARDIOMYOPATHY. Identifiers: Orphanet 289377, MedGen C2673677, MONDO:0012714, OMIM 611705. Disease mechanism: loss of function.
Autosomal recessive limb-girdle muscular dystrophy type 2J (LGMDR10). Also called: Limb-girdle muscular dystrophy, type 2J; MUSCULAR DYSTROPHY, LIMB-GIRDLE, AUTOSOMAL RECESSIVE 10. Identifiers: Orphanet 140922, MedGen C1837342, MONDO:0012127, OMIM 608807.
Hypertrophic cardiomyopathy 9. Also called: Familial hypertrophic cardiomyopathy 9. Identifiers: MedGen C1861065, MONDO:0013412, OMIM 613765.
Myopathy, myofibrillar, 9, with early respiratory failure (MFM9). Also called: Hereditary myopathy with early respiratory failure; EDSTROM MYOPATHY; MYOPATHY, PROXIMAL, WITH EARLY RESPIRATORY MUSCLE INVOLVEMENT; Myopathy, distal, with early respiratory failure, autosomal dominant. Identifiers: Orphanet 178464, Orphanet 34521, MedGen C1863599, MONDO:0011362, OMIM 603689.

Allele frequency attached by ClinVar (database versions not stated): gnomAD exomes below 0.00001 and 0.00001; TOPMed 0.00001; gnomAD 0.00002.
gnomAD v4.1: 18 of 1,598,936 alleles (0.0011%); highest among the groups gnomAD compares: Non-Finnish European, 0.0015%; no homozygotes.

Submissions (3):

GeneDx
Classification: Uncertain significance. Last evaluated: 2024-06-12. Review status: criteria provided, single submitter. Criteria: GeneDx Variant Classification Process June 2021. Collection method: clinical testing. Allele origin: germline. Affected: yes.
Comment: Not observed at significant frequency in large population cohorts (gnomAD); Missense variant in a gene in which most reported pathogenic variants are truncating/loss of function; Has not been previously published as pathogenic or benign to our knowledge

Fulgent Genetics
Classification: Uncertain significance for Tibial muscular dystrophy; Myopathy, myofibrillar, 9, with early respiratory failure; Dilated cardiomyopathy 1G; Autosomal recessive limb-girdle muscular dystrophy type 2J; Early-onset myopathy with fatal cardiomyopathy; Hypertrophic cardiomyopathy 9. Last evaluated: 2021-09-21. Review status: criteria provided, single submitter. Criteria: ACMG Guidelines, 2015. Collection method: clinical testing. Allele origin: unknown.

Eurofins Ntd Llc (ga)
Classification: Uncertain significance. Last evaluated: 2015-11-23. Review status: criteria provided, single submitter. Criteria: EGL Classification Definitions 2015. Collection method: clinical testing. Allele origin: germline. Observed: 1 variant allele, 1 heterozygote.